The following is an entry in ClinVar:

ClinVar aggregate classification (germline): Conflicting classifications of pathogenicity. Review status: criteria provided, conflicting classifications (1 of 4 stars). 3 submissions from 3 submitters: Uncertain significance (1); Likely benign (1). 1 of the submissions does not count toward it. Last evaluated 2025-07-14.

Conditions:
Kleefstra syndrome 2 (KLEFS2). Identifiers: MedGen C4540395, MONDO:0054701, OMIM 617768.

Allele frequency attached by ClinVar (database versions not stated): gnomAD 0.00003; ExAC 0.00004; TOPMed 0.00006; ESP Exome Variant Server 0.00015; 1000 Genomes Project 30x 0.00016; 1000 Genomes Project 0.00020; gnomAD exomes 0.00002.
gnomAD v4.1: 30 of 1,614,110 alleles (0.0019%); highest among the groups gnomAD compares: Non-Finnish European, 0.0023%; no homozygotes.

Submissions (3):

Labcorp Genetics (formerly Invitae), Labcorp
Classification: Likely benign. Last evaluated: 2025-07-14. Review status: criteria provided, single submitter. Criteria: Invitae Variant Classification Sherloc (09022015). Collection method: clinical testing. Allele origin: germline.

Revvity Omics, Revvity
Classification: Uncertain significance for Kleefstra syndrome 2. Last evaluated: 2021-09-03. Review status: criteria provided, single submitter. Criteria: ACMG Guidelines, 2015. Collection method: clinical testing. Allele origin: germline.

ITMI
No classification provided. Condition: AllHighlyPenetrant. Last evaluated: 2013-09-19. Review status: no classification provided. Collection method: reference population. Allele origin: germline. Not counted in ClinVar's aggregate classification.
Comment: Please see associated publication for description of ethnicities

Literature cited by the submitters: PubMed 24728327 (cited by ITMI).

NM_170606.3(KMT2C):c.14017C>T (p.Arg4673Cys)

Gene: KMT2C (lysine methyltransferase 2C; minus strand). Cytogenetic location: 7q36.1.
Variant type: single nucleotide variant.
Coding change: c.14017C>T on transcript NM_170606.3 (MANE Select); coding-DNA position 14017, C replaced by T.
Protein change: p.Arg4673Cys; replaces arginine 4673 with cysteine.
Molecular consequence: missense variant.
Genome position (GRCh38, 1-based): chr7:152,146,613, G>A on the plus strand (C>T on the coding strand, the complement: KMT2C is on the minus strand). VCF-style: chr7-152146613-G-A. GRCh37 (hg19) VCF-style: chr7-151843698-G-A.
Other names: short protein forms R4673C.
Identifiers: ClinVar variation 134817 (VCV000134817.9), dbSNP rs370620314, ClinGen allele CA160803.
Genomic context (GRCh38, chr7:152,146,613, plus strand): 5'-AATCAGGAAAGCAATTCCAATCTCAAAGCCTGACCAAGACACTCACTGATTCCGCTATGC[G>A]TGCCACTGCAGAGACGGTCAGGCCAAACAGATCCTCTCCTTTTAAATACGCTGGGAAAAG-3'
Protein context (NP_733751.2, residues 4663-4683): LFGLTVSAVA[Arg4673Cys]IAESLPGVEA